The following is an entry in ClinVar:

NM_001113378.2(FANCI):c.1743A>C (p.Glu581Asp)

Gene: FANCI (FA complementation group I; plus strand). Cytogenetic location: 15q26.1.
Variant type: single nucleotide variant.
Coding change: c.1743A>C on transcript NM_001113378.2 (MANE Select); coding-DNA position 1743, A replaced by C.
Protein change: p.Glu581Asp; replaces glutamic acid 581 with aspartic acid.
Molecular consequence: missense variant.
Genome position (GRCh38, 1-based): chr15:89,285,140, A>C. VCF-style: chr15-89285140-A-C. GRCh37 (hg19) VCF-style: chr15-89828371-A-C.
Other names: c.1464A>C, p.Glu488Asp (NM_001376910.1); c.1743A>C, p.Glu581Asp (NM_001376911.1, NM_018193.3); c.1743A>C (NM_001113378.1); short protein forms E581D, E488D.
Identifiers: ClinVar variation 625939 (VCV000625939.7), dbSNP rs779310267, ClinGen allele CA7723139.
Genomic context (GRCh38, chr15:89,285,140, plus strand): 5'-CCTGTCTTCCTTTCAGGTTCATGTGGATGTTCACAGCCATTACAATTCTGTCGCCAATGA[A>C]ACTTTTTGCCTTGAGATCATGGATAGTTTGAGGAGATGCTTAAGCCAGCAAGCTGATGTT-3'
Protein context (NP_001106849.1, residues 571-591): VHSHYNSVAN[Glu581Asp]TFCLEIMDSL

ClinVar aggregate classification (germline): Uncertain significance. Review status: criteria provided, multiple submitters, no conflicts (2 of 4 stars). 3 submissions from 3 submitters: Uncertain significance (3). Last evaluated 2025-08-09.

Conditions:
Inborn genetic diseases. Identifiers: MedGen C0950123, MeSH D030342.
Fanconi anemia (FA). Also called: Fanconi's anemia. Identifiers: Orphanet 84, MedGen C0015625, MeSH D005199, MONDO:0019391.
Fanconi anemia complementation group I (FANCI). Also called: FANCI-Related Fanconi Anemia. Identifiers: Orphanet 84, MedGen C1836861, MONDO:0012186, OMIM 609053.

Allele frequency attached by ClinVar (database versions not stated): gnomAD exomes below 0.00001; ExAC 0.00001; TOPMed 0.00001; gnomAD 0.00003.
gnomAD v4.1: 4 of 1,614,064 alleles (0.00025%); highest among the groups gnomAD compares: African/African-American, 0.0053%; no homozygotes.

Submissions (3):

Ambry Genetics
Classification: Uncertain significance for Inborn genetic diseases. Last evaluated: 2025-08-09. Review status: criteria provided, single submitter. Criteria: Ambry Variant Classification Scheme 2023. Collection method: clinical testing. Allele origin: germline.

Labcorp Genetics (formerly Invitae), Labcorp
Classification: Uncertain significance for Fanconi anemia. Last evaluated: 2022-03-03. Review status: criteria provided, single submitter. Criteria: Invitae Variant Classification Sherloc (09022015). Collection method: clinical testing. Allele origin: germline.
Comment: This sequence change replaces glutamic acid, which is acidic and polar, with aspartic acid, which is acidic and polar, at codon 581 of the FANCI protein (p.Glu581Asp). This variant is present in population databases (rs779310267, gnomAD 0.008%). This variant has not been reported in the literature in individuals affected with FANCI-related conditions. ClinVar contains an entry for this variant (Variation ID: 625939). Algorithms developed to predict the effect of missense changes on protein structure and function are either unavailable or do not agree on the potential impact of this missense change (SIFT: "Tolerated"; PolyPhen-2: "Possibly Damaging"; Align-GVGD: "Class C0"). In summary, the available evidence is currently insufficient to determine the role of this variant in disease. Therefore, it has been classified as a Variant of Uncertain Significance.

Center for Genomics, Ann and Robert H. Lurie Children's Hospital of Chicago
Classification: Uncertain significance for Fanconi anemia complementation group I. Last evaluated: 2021-03-30. Review status: criteria provided, single submitter. Criteria: ACMG Guidelines, 2015. Collection method: clinical testing. Allele origin: germline.
Comment: FANCI NM_001113378 exon 18 p.Glu581Asp (c.1743A>C): This variant has not been reported in the literature but is present in 2/24040 African alleles in the Genome Aggregation Database. Evolutionary conservation and computational predictive tools suggest that this variant may not impact the protein. In summary, data on this variant is insufficient for disease classification. Therefore, the clinical significance of this variant is uncertain.